The following is an entry in ClinVar:

ClinVar aggregate classification (germline): Likely pathogenic (1 of 4 stars; one submission).

Submission:

Labcorp Genetics (formerly Invitae), Labcorp
Classification: Likely pathogenic. Last evaluated: 2022-02-27. Review status: criteria provided, single submitter. Criteria: Invitae Variant Classification Sherloc (09022015). Collection method: clinical testing. Allele origin: germline.
Comment: This variant is not present in population databases (gnomAD no frequency). This variant has not been reported in the literature in individuals affected with COL4A3-related conditions. Algorithms developed to predict the effect of sequence changes on RNA splicing suggest that this variant may disrupt the consensus splice site. In summary, the currently available evidence indicates that the variant is pathogenic, but additional data are needed to prove that conclusively. Therefore, this variant has been classified as Likely Pathogenic. This sequence change affects a splice site in intron 10 of the COL4A3 gene. It is expected to disrupt RNA splicing. Variants that disrupt the donor or acceptor splice site typically lead to a loss of protein function (PMID: 16199547), and loss-of-function variants in COL4A3 are known to be pathogenic (PMID: 8956999, 24854265, 26809805, 27281700).

Literature cited by the submitters: PubMed 16199547; PubMed 8956999; PubMed 24854265; PubMed 26809805; PubMed 27281700.

NM_000091.5(COL4A3):c.609+2_609+3del

Genes: COL4A3 (collagen type IV alpha 3 chain; plus strand), MFF-DT (MFF divergent transcript; minus strand). Cytogenetic location: 2q36.3.
Variant type: Microsatellite.
Coding change: c.609+2_609+3del on transcript NM_000091.5 (MANE Select); the canonical splice donor site of the intron after coding-DNA position 609 through 3 bases into the intron after coding-DNA position 609, 2 bases deleted (TG; older notation c.609+2_609+3delTG).
Molecular consequence: splice donor variant.
Genome position (GRCh38, 1-based): chr2:227,251,204-227,251,205, TG deleted; deleting any 2 consecutive bases within chr2:227,251,202-227,251,205 gives the same sequence; the c. name uses the placement nearest the transcript's 3' end. VCF-style (leftmost placement, unchanged base first): chr2-227251201-TTG-T. GRCh37 (hg19) VCF-style: chr2-228115917-TTG-T.
Identifiers: ClinVar variation 2104082 (VCV002104082.4), dbSNP rs2469544002, ClinGen allele CA2580616724.
Genomic context (GRCh38, chr2:227,251,201, plus strand): 5'-GTTTGCCAGGCCCTCCAGGTTTTCCTGGGCCTGTTGGCCCACCTGGTCCTCCGGGATTCT[TTG>T]TGAGTATCAAGTCATCCTTGCTACAGACTCTGTCAACTAATAGATTCATTATTTATTATT-3'